The following is an entry in ClinVar:

ClinVar aggregate classification (germline): Pathogenic/Likely pathogenic. Review status: criteria provided, multiple submitters, no conflicts (2 of 4 stars). 5 submissions from 5 submitters: Pathogenic (2); Likely pathogenic (1). 2 of the submissions do not count toward it. Last evaluated 2024-02-07.

Conditions:
Chédiak-Higashi syndrome (CHS). Also called: Chediak-Higashi Syndrome. Identifiers: Orphanet 167, MedGen C0007965, MONDO:0008963, OMIM 214500.
CHEDIAK-HIGASHI SYNDROME, ADULT TYPE. Identifiers: MedGen C4016993.

Allele frequency attached by ClinVar (database versions not stated): TOPMed 0.00001; gnomAD 0.00001; gnomAD exomes 0.00001; ExAC 0.00002.
gnomAD v4.1: 10 of 1,613,426 alleles (0.00062%); highest among the groups gnomAD compares: African/African-American, 0.0027%; no homozygotes.

Submissions (5):

GeneDx
Classification: Pathogenic. Last evaluated: 2024-02-07. Review status: criteria provided, single submitter. Criteria: GeneDx Variant Classification Process June 2021. Collection method: clinical testing. Allele origin: germline. Affected: yes.
Comment: Nonsense variant predicted to result in protein truncation or nonsense mediated decay in a gene for which loss of function is a known mechanism of disease; Not observed at significant frequency in large population cohorts (gnomAD); This variant is associated with the following publications: (PMID: 8896560, 25525159, 21228398, 10648412, 28193763, 31980526, 28145517, 26944273)

Labcorp Genetics (formerly Invitae), Labcorp
Classification: Pathogenic for Chédiak-Higashi syndrome. Last evaluated: 2023-12-27. Review status: criteria provided, single submitter. Criteria: Invitae Variant Classification Sherloc (09022015). Collection method: clinical testing. Allele origin: germline.
Comment: This sequence change creates a premature translational stop signal (p.Arg1104*) in the LYST gene. It is expected to result in an absent or disrupted protein product. Loss-of-function variants in LYST are known to be pathogenic (PMID: 9215679, 11857544). This variant is present in population databases (rs80338652, gnomAD 0.003%). This premature translational stop signal has been observed in individual(s) with Chediak-Higashi syndrome (PMID: 8896560, 10648412, 28145517, 28193763). It has also been observed to segregate with disease in related individuals. ClinVar contains an entry for this variant (Variation ID: 3809). Algorithms developed to predict the effect of variants on protein structure and function are not available or were not evaluated for this variant. Experimental studies are conflicting or provide insufficient evidence to determine the effect of this variant on LYST function (PMID: 28458669). For these reasons, this variant has been classified as Pathogenic.

Illumina Laboratory Services, Illumina
Classification: Likely pathogenic for Chédiak-Higashi syndrome. Last evaluated: 2017-04-27. Review status: criteria provided, single submitter. Criteria: ICSL Variant Classification Criteria 09 May 2019. Collection method: clinical testing. Allele origin: germline.
Comment: The LYST c.3310C>T (p.Arg1104Ter) variant is a stop-gained variant that is predicted to result in premature termination of the protein. The p.Arg1104Ter has been reported in two studies in which it is found in a homozygous state in two individuals with Chediak-Higashi syndrome (Nagle et al. 1996; Certain et al. 2000). Control data are unavailable for this variant which is reported at a frequency of 0.000024 in the total population of the Exome Aggregation Consortium. The evidence for this variant is limited. However, based on the evidence and the potential impact of stop-gained variants, the p.Arg1104Ter variant is classified as likely pathogenic for Chediak-Higashi syndrome. This variant was observed by ICSL as part of a predisposition screen in an ostensibly healthy population.

OMIM
Classification: Pathogenic for CHEDIAK-HIGASHI SYNDROME, ADULT TYPE. Last evaluated: 1996-11-01. Review status: no assertion criteria provided. Collection method: literature only. Allele origin: germline. Not counted in ClinVar's aggregate classification.

GeneReviews
No classification provided. Condition: Chédiak-Higashi syndrome. Review status: no classification provided. Collection method: literature only. Allele origin: germline. Not counted in ClinVar's aggregate classification.

Literature cited by the submitters: PubMed 9215679 (cited by Labcorp Genetics (formerly Invitae), Labcorp); PubMed 11857544 (cited by Labcorp Genetics (formerly Invitae), Labcorp); PubMed 8896560 (cited by 3 submitters); PubMed 10648412 (cited by Labcorp Genetics (formerly Invitae), Labcorp and Illumina Laboratory Services, Illumina); PubMed 28145517 (cited by Labcorp Genetics (formerly Invitae), Labcorp); PubMed 28193763 (cited by Labcorp Genetics (formerly Invitae), Labcorp); PubMed 28458669 (cited by Labcorp Genetics (formerly Invitae), Labcorp).

NM_000081.4(LYST):c.3310C>T (p.Arg1104Ter)

Gene: LYST (lysosomal trafficking regulator; minus strand). Cytogenetic location: 1q42.3.
Variant type: single nucleotide variant.
Coding change: c.3310C>T on transcript NM_000081.4 (MANE Select); coding-DNA position 3310, C replaced by T.
Protein change: p.Arg1104Ter; replaces arginine 1104 with a stop codon.
Molecular consequence: nonsense.
Genome position (GRCh38, 1-based): chr1:235,805,826, G>A on the plus strand (C>T on the coding strand, the complement: LYST is on the minus strand). VCF-style: chr1-235805826-G-A. GRCh37 (hg19) VCF-style: chr1-235969126-G-A.
Other names: R1103*; c.3310C>T, p.Arg1104Ter (NM_001301365.1); short protein forms R1104*.
Identifiers: ClinVar variation 3809 (VCV000003809.18), dbSNP rs80338652, ClinGen allele CA116442.
Genomic context (GRCh38, chr1:235,805,826, plus strand): 5'-TCTTCTGTTGACTAGTTCTGGCACCATGAAGACAAATGGCCAGAAGGGCTTCCAAAAGTC[G>A]TATACTTTGAAGTGAGGTCTCACTTTCTTGACTTGTAAATAGCTTTGCTTCCTCGGGAGC-3'